The following is an entry in ClinVar:

NM_002609.4(PDGFRB):c.2635C>A (p.Leu879Ile)

Gene: PDGFRB (platelet derived growth factor receptor beta; minus strand). Cytogenetic location: 5q32.
Variant type: single nucleotide variant.
Coding change: c.2635C>A on transcript NM_002609.4 (MANE Select); coding-DNA position 2635, C replaced by A.
Protein change: p.Leu879Ile; replaces leucine 879 with isoleucine.
Molecular consequence: missense variant.
Genome position (GRCh38, 1-based): chr5:150,120,075, G>T on the plus strand (C>A on the coding strand, the complement: PDGFRB is on the minus strand). VCF-style: chr5-150120075-G-T. GRCh37 (hg19) VCF-style: chr5-149499638-G-T.
Other names: c.2443C>A, p.Leu815Ile (NM_001355016.2); c.2152C>A, p.Leu718Ile (NM_001355017.2); short protein forms L815I, L879I, L718I.
Identifiers: ClinVar variation 2190056 (VCV002190056.5), dbSNP rs771679639, ClinGen allele CA3507566.
Genomic context (GRCh38, chr5:150,120,075, plus strand): 5'-AGGTGAAGATCTCCCAGAGCAGGATCCCGAAGGACCACACGTCGCTCAGGGTGGTGTAGA[G>T]GCTGTTGAAGATGCTCTCCGGAGCCATCCACTTTAAAGGCAAAAAGGTCTGTAGGGAGGT-3'
Protein context (NP_002600.1, residues 869-889): WMAPESIFNS[Leu879Ile]YTTLSDVWSF

ClinVar aggregate classification (germline): Conflicting classifications of pathogenicity. Review status: criteria provided, conflicting classifications (1 of 4 stars). 2 submissions from 2 submitters: Uncertain significance (1); Likely benign (1). Last evaluated 2025-11-06.

Conditions:
Infantile myofibromatosis (IMF). Also called: Congenital generalized fibromatosis. Identifiers: Orphanet 2591, MedGen C0432284, MONDO:0016824.
Skeletal overgrowth-craniofacial dysmorphism-hyperelastic skin-white matter lesions syndrome. Also called: SKELETAL OVERGROWTH WITH FACIAL DYSMORPHISM, HYPERELASTIC SKIN, WHITE MATTER LESIONS, AND NEUROLOGIC DETERIORATION; Kosaki overgrowth syndrome. Identifiers: Orphanet 477831, MedGen C4225270, MONDO:0014704, OMIM 616592.
Basal ganglia calcification, idiopathic, 4 (PFBC4). Also called: Familial Idiopathic Basal Ganglia Calcification 4; PRIMARY FAMILIAL BRAIN CALCIFICATION 4, AUTOSOMAL DOMINANT. Identifiers: Orphanet 1980, MedGen C3554321, MONDO:0014004, OMIM 615007.
Acroosteolysis-keloid-like lesions-premature aging syndrome. Also called: Premature aging syndrome, Penttinen type; Prematurely aged appearance, delayed bone maturation, acro-osteolysis, and brachydactyly; Progeroid syndrome, Penttinen type. Identifiers: Orphanet 363665, MedGen C1866182, MONDO:0011150, OMIM 601812.

Allele frequency attached by ClinVar (database versions not stated): ExAC 0.00002; gnomAD 0.00001; gnomAD exomes 0.00001; TOPMed 0.00001.

Submissions (2):

Women's Health and Genetics/Laboratory Corporation of America, LabCorp
Classification: Uncertain significance. Last evaluated: 2025-11-06. Review status: criteria provided, single submitter. Criteria: LabCorp Variant Classification Summary - May 2015. Collection method: clinical testing. Allele origin: germline.
Comment: Variant summary: PDGFRB c.2635C>A (p.Leu879Ile) results in a conservative amino acid change in the encoded protein sequence. Algorithms developed to predict the effect of missense changes on protein structure and function are either unavailable or do not agree on the potential impact of this missense change. The variant allele was found at a frequency of 1.6e-05 in 251438 control chromosomes (gnomAD v2). It was also reported as 17 heterozygotes in the gnomAD v4 database. The available data on variant occurrences in the general population are insufficient to allow any conclusion about variant significance. To our knowledge, no occurrence of c.2635C>A in individuals affected with PDGFRB-related conditions and no experimental evidence demonstrating its impact on protein function have been reported. ClinVar contains an entry for this variant (Variation ID: 2190056). Based on the evidence outlined above, the variant was classified as VUS-possibly benign.

Labcorp Genetics (formerly Invitae), Labcorp
Classification: Likely benign for Basal ganglia calcification, idiopathic, 4; Skeletal overgrowth-craniofacial dysmorphism-hyperelastic skin-white matter lesions syndrome; Infantile myofibromatosis; Acroosteolysis-keloid-like lesions-premature aging syndrome. Last evaluated: 2025-08-04. Review status: criteria provided, single submitter. Criteria: Invitae Variant Classification Sherloc (09022015). Collection method: clinical testing. Allele origin: germline.